The following is an entry in ClinVar:

ClinVar aggregate classification (germline): Likely pathogenic (1 of 4 stars; one submission).

Conditions:
Spastic ataxia 10, autosomal recessive (SPAX10). Identifiers: MedGen C5882738, MONDO:0958009, OMIM 620666.

Submission:

3billion
Classification: Likely pathogenic for Spastic ataxia 10, autosomal recessive. Last evaluated: 2024-08-06. Review status: criteria provided, single submitter. Criteria: ACMG Guidelines, 2015. Collection method: clinical testing. Allele origin: germline. Affected: yes.
Comment: The variant is not observed in the gnomAD v4.0.0 dataset. Predicted Consequence/Location: Frameshift: predicted to result in a loss or disruption of normal protein function through nonsense-mediated decay (NMD) or protein truncation. Multiple pathogenic variants are reported downstream of the variant. Therefore, this variant is classified as Likely pathogenic according to the recommendation of ACMG/AMP guideline.

NM_016035.5(COQ4):c.409dup (p.Ser137fs)

Gene: COQ4 (coenzyme Q4; plus strand). Cytogenetic location: 9q34.11.
Variant type: Duplication.
Coding change: c.409dup on transcript NM_016035.5 (MANE Select); coding-DNA position 409, one base duplicated (T; older notation c.409dupT).
Protein change: p.Ser137fs; shifts the reading frame from serine 137.
Molecular consequence: frameshift variant. On other transcripts: intron variant (1).
Genome position (GRCh38, 1-based): chr9:128,332,159, T duplicated. VCF-style (leftmost placement, unchanged base first): chr9-128332158-C-CT. GRCh37 (hg19) VCF-style: chr9-131094437-C-CT.
Other names: c.*3-1315dup (NM_001305942.2); short protein forms S137fs.
Identifiers: ClinVar variation 4293681 (VCV004293681.1).